The following is an entry in ClinVar:

NM_172245.4(CSF2RA):c.836A>C (p.Asn279Thr)

Gene: CSF2RA (colony stimulating factor 2 receptor subunit alpha; plus strand). Cytogenetic location: Xp22.33.
Variant type: single nucleotide variant.
Coding change: c.836A>C on transcript NM_172245.4 (MANE Select); coding-DNA position 836, A replaced by C.
Protein change: p.Asn279Thr; replaces asparagine 279 with threonine.
Molecular consequence: missense variant. On other transcripts: intron variant (2).
Genome position (GRCh38, 1-based): chrX:1,300,516, A>C. VCF-style: chrX-1300516-A-C. GRCh37 (hg19) VCF-style: chrX-1419409-A-C.
Other names: c.836A>C, p.Asn279Thr (NM_001161529.2, NM_001161530.2, NM_001161531.2 and 17 more transcripts); c.437A>C, p.Asn146Thr (NM_001161532.2); c.806A>C, p.Asn269Thr (NM_001379160.1); c.647-4930A>C (NM_172249.4); c.854+1451A>C (NM_001379166.1); short protein forms N146T, N269T, N279T.
Identifiers: ClinVar variation 941447 (VCV000941447.8), dbSNP rs2092297530, ClinGen allele CA412236287.

ClinVar aggregate classification (germline): Uncertain significance (1 of 4 stars; one submission).

Conditions:
Surfactant metabolism dysfunction, pulmonary, 4 (SMDP4). Also called: PULMONARY ALVEOLAR PROTEINOSIS, CONGENITAL, 4; PAP DUE TO CSF2RA DEFICIENCY; CSF2RA DEFICIENCY. Identifiers: Orphanet 264675, MedGen C2677877, MONDO:0010424, OMIM 300770.

Allele frequency attached by ClinVar (database versions not stated): gnomAD exomes 0.00002.
gnomAD v4.1: 14 of 1,613,968 alleles (0.00087%); highest among the groups gnomAD compares: Non-Finnish European, 0.0012%; no homozygotes.

Submission:

Labcorp Genetics (formerly Invitae), Labcorp
Classification: Uncertain significance for Surfactant metabolism dysfunction, pulmonary, 4. Last evaluated: 2022-08-16. Review status: criteria provided, single submitter. Criteria: Invitae Variant Classification Sherloc (09022015). Collection method: clinical testing. Allele origin: germline.
Comment: ClinVar contains an entry for this variant (Variation ID: 941447). Algorithms developed to predict the effect of missense changes on protein structure and function are either unavailable or do not agree on the potential impact of this missense change (SIFT: "Tolerated"; PolyPhen-2: "Possibly Damaging"; Align-GVGD: "Class C0"). In summary, the available evidence is currently insufficient to determine the role of this variant in disease. Therefore, it has been classified as a Variant of Uncertain Significance. This variant has not been reported in the literature in individuals affected with CSF2RA-related conditions. This sequence change replaces asparagine, which is neutral and polar, with threonine, which is neutral and polar, at codon 279 of the CSF2RA protein (p.Asn279Thr). This variant is not present in population databases (gnomAD no frequency).